The following is an entry in ClinVar:

ClinVar aggregate classification (germline): Conflicting classifications of pathogenicity. Review status: criteria provided, conflicting classifications (1 of 4 stars). 6 submissions from 6 submitters: Pathogenic (1); Likely pathogenic (1); Uncertain significance (4). Last evaluated 2026-02-27.

Conditions:
Prolactin-producing pituitary gland adenoma. Also called: Prolactinoma; Pituitary prolactin cell adenoma. Identifiers: Orphanet 2965, MedGen C0033375, MONDO:0010911, HP:0006767.
High myopia. Also called: Severe Myopia. Identifiers: MedGen C0271183, HP:0011003.
Inborn genetic diseases. Identifiers: MedGen C0950123, MeSH D030342.
LRP2-related disorder. Also called: LRP2-related condition.

Allele frequency attached by ClinVar (database versions not stated): gnomAD exomes 0.00001 and 0.00002; ExAC 0.00002; gnomAD 0.00002 and 0.00003; TOPMed 0.00002.
gnomAD v4.1: 31 of 1,610,976 alleles (0.0019%); highest among the groups gnomAD compares: East Asian, 0.0022%; no homozygotes.

Submissions (6):

PreventionGenetics, part of Exact Sciences
Classification: Uncertain significance for LRP2-related condition. Last evaluated: 2026-02-27. Review status: criteria provided, single submitter. Criteria: ACMG Guidelines, 2015. Collection method: clinical testing. Allele origin: germline.
Comment: The LRP2 c.13753C>T variant is predicted to result in premature protein termination (p.Arg4585*). To our knowledge, this variant has not been reported in the literature. This variant occurs in the penultimate exon and no truncating variants have been reported downstream of this position. This variant is reported in 0.0050% of alleles in individuals of East Asian descent in gnomAD. At this time, the clinical significance of this variant is uncertain due to the absence of conclusive functional and genetic evidence.

Labcorp Genetics (formerly Invitae), Labcorp
Classification: Pathogenic. Last evaluated: 2025-06-14. Review status: criteria provided, single submitter. Criteria: Invitae Variant Classification Sherloc (09022015). Collection method: clinical testing. Allele origin: germline.
Comment: This sequence change creates a premature translational stop signal (p.Arg4585*) in the LRP2 gene. It is expected to result in an absent or disrupted protein product. Loss-of-function variants in LRP2 are known to be pathogenic (PMID: 17632512, 25682901). This variant is present in population databases (rs202057289, gnomAD 0.005%). This variant has not been reported in the literature in individuals affected with LRP2-related conditions. ClinVar contains an entry for this variant (Variation ID: 374076). For these reasons, this variant has been classified as Pathogenic.

GeneDx
Classification: Uncertain significance. Last evaluated: 2023-06-01. Review status: criteria provided, single submitter. Criteria: GeneDx Variant Classification Process June 2021. Collection method: clinical testing. Allele origin: germline. Affected: yes.
Comment: Nonsense variant predicted to result in protein truncation, as the last 71 amino acids are lost; Has not been previously published as pathogenic or benign to our knowledge

Blueprint Genetics
Classification: Uncertain significance. Last evaluated: 2022-11-18. Review status: criteria provided, single submitter. Criteria: ACMG Guidelines, 2015. Collection method: clinical testing. Allele origin: germline.

Ambry Genetics
Classification: Uncertain significance for Inborn genetic diseases. Last evaluated: 2022-01-19. Review status: criteria provided, single submitter. Criteria: Ambry Variant Classification Scheme 2023. Collection method: clinical testing. Allele origin: germline.
Comment: Not expected to trigger nonsense-mediated mRNA decay Based on insufficient or conflicting evidence, the clinical significance of this alteration remains unclear.

Centre for Mendelian Genomics, University Medical Centre Ljubljana
Classification: Likely pathogenic for Prolactin-producing pituitary gland adenoma; High myopia. Last evaluated: 2015-08-05. Review status: criteria provided, single submitter. Criteria: ACMG Guidelines, 2015. Collection method: clinical testing. Allele origin: unknown. Affected: yes.

Literature cited by the submitters: PubMed 17632512 (cited by Labcorp Genetics (formerly Invitae), Labcorp); PubMed 25682901 (cited by Labcorp Genetics (formerly Invitae), Labcorp).

NM_004525.3(LRP2):c.13753C>T (p.Arg4585Ter)

Gene: LRP2 (LDL receptor related protein 2; minus strand). Cytogenetic location: 2q31.1.
Variant type: single nucleotide variant.
Coding change: c.13753C>T on transcript NM_004525.3 (MANE Select); coding-DNA position 13753, C replaced by T.
Protein change: p.Arg4585Ter; replaces arginine 4585 with a stop codon.
Molecular consequence: nonsense.
Genome position (GRCh38, 1-based): chr2:169,129,060, G>A on the plus strand (C>T on the coding strand, the complement: LRP2 is on the minus strand). VCF-style: chr2-169129060-G-A. GRCh37 (hg19) VCF-style: chr2-169985570-G-A.
Other names: short protein forms R4585*.
Identifiers: ClinVar variation 374076 (VCV000374076.11), dbSNP rs202057289, ClinGen allele CA1952430.